The following is an entry in ClinVar:

NM_172250.3(MMAA):c.742C>T (p.Gln248Ter)

Gene: MMAA (metabolism of cobalamin associated A; plus strand). Cytogenetic location: 4q31.21.
Variant type: single nucleotide variant.
Coding change: c.742C>T on transcript NM_172250.3 (MANE Select); coding-DNA position 742, C replaced by T.
Protein change: p.Gln248Ter; replaces glutamine 248 with a stop codon.
Molecular consequence: nonsense.
Genome position (GRCh38, 1-based): chr4:145,651,070, C>T. VCF-style: chr4-145651070-C-T. GRCh37 (hg19) VCF-style: chr4-146572222-C-T.
Other names: short protein forms Q248*.
Identifiers: ClinVar variation 496554 (VCV000496554.13), dbSNP rs757548934, ClinGen allele CA3095257.

ClinVar aggregate classification (germline): Pathogenic. Review status: criteria provided, multiple submitters, no conflicts (2 of 4 stars). 6 submissions from 6 submitters: Pathogenic (6). Last evaluated 2024-06-24.

Conditions:
Methylmalonic acidemia (MMA). Also called: Isolated Methylmalonic Acidemia. Identifiers: MedGen C0268583, MeSH C537358, MONDO:0002012, HP:0002912.
Methylmalonic aciduria, cblA type (MACA). Also called: Methylmalonic aciduria, vitamin b12-responsive, due to defect in synthesis of adenosylcobalamin, cbla complementation type; MMA cbl A type; Methylmalonic acidemia cblA type; Methylmalonic aciduria, vitamin B12-responsive; Vitamin B12-responsive methylmalonic acidemia type cblA. Identifiers: Orphanet 28, Orphanet 79310, MedGen C1855109, MONDO:0009613, OMIM 251100.

Allele frequency attached by ClinVar (database versions not stated): gnomAD exomes 0.00001; ExAC 0.00003.

Submissions (6):

Fulgent Genetics
Classification: Pathogenic for Methylmalonic aciduria, cblA type. Last evaluated: 2024-06-24. Review status: criteria provided, single submitter. Criteria: ACMG Guidelines, 2015. Collection method: clinical testing. Allele origin: germline.

Natera, Inc.
Classification: Pathogenic for Methylmalonic aciduria cblA type. Last evaluated: 2024-03-19. Review status: criteria provided, single submitter. Criteria: Natera Variant Classification Schema (03/2026). Collection method: clinical testing. Allele origin: germline.
Comment: The c.742C>T variant in MMAA is a nonsense variant predicted to introduce a stop codon at amino acid 248. This variant is expected to result in nonsense mediated decay, truncation, or a dysfunctional protein product. This variant is rare in the general population with a frequency below the threshold expected for the associated phenotype(s). This variant has been observed in one or more individuals affected with the associated recessive disease, as either homozygous or compound heterozygous with a second variant (PMID: 15523652, 28497574). Given the available evidence, this variant is classified as Pathogenic.

Baylor Genetics
Classification: Pathogenic for Methylmalonic aciduria, cblA type. Last evaluated: 2024-01-09. Review status: criteria provided, single submitter. Criteria: ACMG Guidelines, 2015. Collection method: clinical testing. Allele origin: unknown.

Labcorp Genetics (formerly Invitae), Labcorp
Classification: Pathogenic for Methylmalonic aciduria, cblA type. Last evaluated: 2023-08-14. Review status: criteria provided, single submitter. Criteria: Invitae Variant Classification Sherloc (09022015). Collection method: clinical testing. Allele origin: germline.
Comment: This sequence change creates a premature translational stop signal (p.Gln248*) in the MMAA gene. It is expected to result in an absent or disrupted protein product. Loss-of-function variants in MMAA are known to be pathogenic (PMID: 15523652, 15781192). This variant is present in population databases (rs757548934, gnomAD 0.01%). This premature translational stop signal has been observed in individuals with methylmalonic aciduria cobalamin A type (PMID: 15523652, 25748407, 28497574). ClinVar contains an entry for this variant (Variation ID: 496554). Algorithms developed to predict the effect of sequence changes on RNA splicing suggest that this variant may disrupt the consensus splice site. For these reasons, this variant has been classified as Pathogenic.

Women's Health and Genetics/Laboratory Corporation of America, LabCorp
Classification: Pathogenic for Methylmalonic acidemia. Last evaluated: 2016-12-30. Review status: criteria provided, single submitter. Criteria: LabCorp Variant Classification Summary - May 2015. Collection method: clinical testing. Allele origin: germline.
Comment: Variant summary: The MMAA c.742C>T (p.Gln248X) variant results in a premature termination codon, predicted to cause a truncated or absent MMAA protein due to nonsense mediated decay, which are commonly known mechanisms for disease. The truncated protein is expected to remove the 170 amino acids in the C-terminus, which includes part of the P-loop containing nucleoside triphosphate hydrolase domain. One in silico tool predicts a damaging outcome for this variant. Xiong_2015 predicted a large splicing change induced by this variant. However, this change was not predicted by 5/5 splice prediction tools. ESE finder predicts that this variant may affect multiple ESE sites. However, these predictions have yet to be confirmed by functional studies. This variant was found in 4/121506 control chromosomes at a frequency of 0.0000329 (all alleles are from East Asian subpopuation), which does not exceed the estimated maximal expected allele frequency of a pathogenic MMAA variant (0.0018257). This variant has been reported in at least two patients. Taken together, this variant is classified as pathogenic.

Juno Genomics, Hangzhou Juno Genomics, Inc
Classification: Pathogenic for Methylmalonic aciduria, cblA type. Review status: criteria provided, single submitter. Criteria: ACMG Guidelines, 2015. Collection method: clinical testing. Allele origin: germline. Affected: yes.
Comment: Absent from controls (or at extremely low frequency if recessive) in Genome Aggregation Database, Exome Sequencing Project, 1000 Genomes Project, or Exome Aggregation Consortium.;Null variant in a gene where loss of function (LOF) is a known mechanism of disease.;For recessive disorders, detected in trans with a pathogenic variant.;Patient's phenotype or family history is highly specific for a disease with a single genetic etiology.

Literature cited by the submitters: PubMed 15523652 (cited by 3 submitters); PubMed 28497574 (cited by Natera, Inc. and Labcorp Genetics (formerly Invitae), Labcorp); PubMed 15781192 (cited by Labcorp Genetics (formerly Invitae), Labcorp); PubMed 25748407 (cited by Labcorp Genetics (formerly Invitae), Labcorp and Women's Health and Genetics/Laboratory Corporation of America, LabCorp); PubMed 23026888 (cited by Women's Health and Genetics/Laboratory Corporation of America, LabCorp); PubMed 25525159 (cited by Women's Health and Genetics/Laboratory Corporation of America, LabCorp).